The following is an entry in ClinVar:

NM_015330.6(SPECC1L):c.2615T>C (p.Met872Thr)

Genes: SPECC1L (sperm antigen with calponin homology and coiled-coil domains 1 like; plus strand), SPECC1L-ADORA2A (SPECC1L-ADORA2A readthrough (NMD candidate); plus strand). Cytogenetic location: 22q11.23.
Variant type: single nucleotide variant.
Coding change: c.2615T>C on transcript NM_015330.6 (MANE Select); coding-DNA position 2615, T replaced by C.
Protein change: p.Met872Thr; replaces methionine 872 with threonine.
Molecular consequence: missense variant. On other transcripts: non-coding transcript variant (1).
Genome position (GRCh38, 1-based): chr22:24,338,440, T>C. VCF-style: chr22-24338440-T-C. GRCh37 (hg19) VCF-style: chr22-24734408-T-C.
Other names: c.2615T>C, p.Met872Thr (NM_001145468.4, NM_001254732.3); short protein forms M872T.
Identifiers: ClinVar variation 4988673 (VCV004988673.1).

ClinVar aggregate classification (germline): Uncertain significance (1 of 4 stars; one submission).

Conditions:
SPECC1L-related disorder. Also called: SPECC1L-related condition.

gnomAD v4.1: 2 of 1,614,110 alleles (0.00012%); highest among the groups gnomAD compares: East Asian, 0.0045%; no homozygotes.

Submission:

PreventionGenetics, part of Exact Sciences
Classification: Uncertain significance for SPECC1L-related condition. Last evaluated: 2026-02-28. Review status: criteria provided, single submitter. Criteria: ACMG Guidelines, 2015. Collection method: clinical testing. Allele origin: germline.
Comment: The SPECC1L c.2615T>C variant is predicted to result in the amino acid substitution p.Met872Thr. To our knowledge, this variant has not been reported in the literature or in a large population database (gnomAD), indicating this variant is rare. At this time, the clinical significance of this variant is uncertain due to the absence of conclusive functional and genetic evidence.